The following is an entry in ClinVar:

ClinVar aggregate classification (germline): Uncertain significance (1 of 4 stars; one submission).

Conditions:
Inborn genetic diseases. Identifiers: MedGen C0950123, MeSH D030342.

gnomAD v4.1: 1 of 1,614,100 alleles (0.000062%); highest among the groups gnomAD compares: Non-Finnish European, 0.000085%; no homozygotes.

Submission:

Ambry Genetics
Classification: Uncertain significance for Inborn genetic diseases. Last evaluated: 2025-06-15. Review status: criteria provided, single submitter. Criteria: Ambry Variant Classification Scheme 2023. Collection method: clinical testing. Allele origin: germline.
Comment: The p.L406V variant (also known as c.1216C>G), located in coding exon 11 of the DDX41 gene, results from a C to G substitution at nucleotide position 1216. The leucine at codon 406 is replaced by valine, an amino acid with highly similar properties. This amino acid position is conserved. In addition, this alteration is predicted to be tolerated by in silico analysis. Based on the available evidence, the clinical significance of this variant remains unclear.

NM_016222.4(DDX41):c.1216C>G (p.Leu406Val)

Gene: DDX41 (DEAD-box helicase 41; minus strand). Cytogenetic location: 5q35.3.
Variant type: single nucleotide variant.
Coding change: c.1216C>G on transcript NM_016222.4 (MANE Select); coding-DNA position 1216, C replaced by G.
Protein change: p.Leu406Val; replaces leucine 406 with valine.
Molecular consequence: missense variant.
Genome position (GRCh38, 1-based): chr5:177,513,367, G>C on the plus strand (C>G on the coding strand, the complement: DDX41 is on the minus strand). VCF-style: chr5-177513367-G-C. GRCh37 (hg19) VCF-style: chr5-176940368-G-C.
Other names: c.838C>G, p.Leu280Val (NM_001321732.2, NM_001321830.2); short protein forms L406V, L280V.
Identifiers: ClinVar variation 4238730 (VCV004238730.1).